The following is an entry in ClinVar:

NC_000016.9:g.(?_21709076)_(21709216_?)del

Gene: OTOA (otoancorin). Cytogenetic location: 16p12.2.
Variant type: Deletion.
Identifiers: ClinVar variation 3243668 (VCV003243668.1).

ClinVar aggregate classification (germline): Pathogenic (1 of 4 stars; one submission).

Submission:

Labcorp Genetics (formerly Invitae), Labcorp
Classification: Pathogenic. Last evaluated: 2023-08-09. Review status: criteria provided, single submitter. Criteria: Invitae Variant Classification Sherloc (09022015). Collection method: clinical testing. Allele origin: unknown.
Comment: This variant is a gross deletion of the genomic region encompassing exon(s) 9 of the OTOA gene. This deletion is out-of-frame, and is expected to create a premature termination codon and result in an absent or disrupted protein product. Loss-of-function variants in OTOA are known to be pathogenic (PMID: 11972037). This variant has not been reported in the literature in individuals affected with OTOA-related conditions. For these reasons, this variant has been classified as Pathogenic.

Literature cited by the submitters: PubMed 11972037.